The following is an entry in ClinVar:

NM_198904.4(GABRG2):c.472G>A (p.Ala158Thr)

Gene: GABRG2 (gamma-aminobutyric acid type A receptor subunit gamma2; plus strand). Cytogenetic location: 5q34.
Variant type: single nucleotide variant.
Coding change: c.472G>A on transcript NM_198904.4 (MANE Select); coding-DNA position 472, G replaced by A.
Protein change: p.Ala158Thr; replaces alanine 158 with threonine.
Molecular consequence: missense variant.
Genome position (GRCh38, 1-based): chr5:162,097,782, G>A. VCF-style: chr5-162097782-G-A. GRCh37 (hg19) VCF-style: chr5-161524788-G-A.
Other names: c.472G>A, p.Ala158Thr (NM_000816.3, NM_001375340.1, NM_001375341.1 and 4 more transcripts); c.463G>A, p.Ala155Thr (NM_001375339.1); c.406G>A, p.Ala136Thr (NM_001375345.1, NM_001375346.1); c.385G>A, p.Ala129Thr (NM_001375347.1); c.52G>A, p.Ala18Thr (NM_001375348.1, NM_001375350.1); c.187G>A, p.Ala63Thr (NM_001375349.1); short protein forms A129T, A136T, A155T, A158T, A18T, A63T.
Identifiers: ClinVar variation 1307038 (VCV001307038.2), dbSNP rs2113326740, ClinGen allele CA362184299.

ClinVar aggregate classification (germline): Uncertain significance (1 of 4 stars; one submission).

Submission:

GeneDx
Classification: Uncertain significance. Last evaluated: 2020-03-12. Review status: criteria provided, single submitter. Criteria: GeneDx Variant Classification Process June 2021. Collection method: clinical testing. Allele origin: germline. Affected: yes.
Comment: Not observed in large population cohorts (Lek et al., 2016); In silico analysis, which includes protein predictors and evolutionary conservation, supports that this variant does not alter protein structure/function; Has not been previously published as pathogenic or benign to our knowledge